The following is an entry in ClinVar:

ClinVar aggregate classification (germline): Pathogenic/Likely pathogenic. Review status: criteria provided, multiple submitters, no conflicts (2 of 4 stars). 4 submissions from 4 submitters: Pathogenic (2); Likely pathogenic (1). 1 of the submissions does not count toward it. Last evaluated 2025-09-16.

Conditions:
PRPH2-related disorder. Also called: PRPH2-related condition; PRPH2-related disorders. Identifiers: MedGen CN239395.
Stargardt disease (FFM). Also called: Fundus flavimaculatus; Stargardt's disease. Identifiers: Orphanet 827, MedGen C0271093, MONDO:0019353.

Submissions (4):

Labcorp Genetics (formerly Invitae), Labcorp
Classification: Pathogenic for PRPH2-related disorder. Last evaluated: 2025-09-16. Review status: criteria provided, single submitter. Criteria: Invitae Variant Classification Sherloc (09022015). Collection method: clinical testing. Allele origin: germline.
Comment: This sequence change affects a donor splice site in intron 2 of the PRPH2 gene. While this variant is not anticipated to result in nonsense mediated decay, it likely alters RNA splicing and results in a disrupted protein product. This variant is not present in population databases (gnomAD no frequency). Disruption of this splice site has been observed in individual(s) with autosomal dominant pattern macular dystrophy and/or Stargardt disease (PMID: 17653047, 32531846). This variant is also known as peripherin/RDS IVS2+2T>C. ClinVar contains an entry for this variant (Variation ID: 973719). Variants that disrupt the consensus splice site are a relatively common cause of aberrant splicing (PMID: 17576681, 9536098). Algorithms developed to predict the effect of sequence changes on RNA splicing suggest that this variant may disrupt the consensus splice site. This variant disrupts a region of the PRPH2 protein in which other variant(s) (p.Gln304*) have been determined to be pathogenic (internal data). This suggests that this is a clinically significant region of the protein, and that variants that disrupt it are likely to be disease-causing. For these reasons, this variant has been classified as Pathogenic.

Blueprint Genetics
Classification: Pathogenic for PRPH2-related disorders. Last evaluated: 2022-09-26. Review status: criteria provided, single submitter. Criteria: ACMG Guidelines, 2015. Collection method: clinical testing. Allele origin: germline. Affected: yes. Observed: 2 variant alleles.

NEI Ophthalmic Genomics Laboratory, National Institutes of Health
Classification: Likely pathogenic for Stargardt disease. Last evaluated: 2020-01-07. Review status: criteria provided, single submitter. Criteria: ACMG Guidelines, 2015. Collection method: clinical testing. Allele origin: germline. Affected: yes.
Comment: The variant NM_000322.4:c.828+2T>C in the PRPH2 gene has been previously studied(PMIDs 17653047, 25525159). This variant is not listed in dbSNP and/or HGMD. It is absent in gnomAD browser. It is not enriched in the PRPH2 disease cohort. We invoked ACMG criteria [PVS1, PM2] and classified NM_000322.4:c.828+2T>C in the PRPH2 gene as a Likely pathogenic mutation.

Leiden Open Variation Database
Classification: Likely pathogenic. Last evaluated: 2021-04-06. Review status: no assertion criteria provided. Collection method: curation. Allele origin: germline. Affected: yes. Not counted in ClinVar's aggregate classification.
Comment: Curator: Global Variome, with Curator vacancy. Submitter to LOVD: Manon Peeters.

Literature cited by the submitters: PubMed 17653047 (cited by Labcorp Genetics (formerly Invitae), Labcorp and Leiden Open Variation Database); PubMed 32531846 (cited by Labcorp Genetics (formerly Invitae), Labcorp); PubMed 17576681 (cited by Labcorp Genetics (formerly Invitae), Labcorp); PubMed 9536098 (cited by Labcorp Genetics (formerly Invitae), Labcorp).

NM_000322.5(PRPH2):c.828+2T>C

Gene: PRPH2 (peripherin 2; minus strand). Cytogenetic location: 6p21.1.
Variant type: single nucleotide variant.
Coding change: c.828+2T>C on transcript NM_000322.5 (MANE Select); the canonical splice donor site of the intron after coding-DNA position 828, T replaced by C.
Molecular consequence: splice donor variant.
Genome position (GRCh38, 1-based): chr6:42,704,363, A>G on the plus strand (T>C on the coding strand, the complement: PRPH2 is on the minus strand). VCF-style: chr6-42704363-A-G. GRCh37 (hg19) VCF-style: chr6-42672101-A-G.
Identifiers: ClinVar variation 973719 (VCV000973719.12), dbSNP rs1800108496, ClinGen allele CA364134529.